The following is an entry in ClinVar:

NM_013382.7(POMT2):c.14C>G (p.Thr5Arg)

Genes: POMT2 (protein O-mannosyltransferase 2; minus strand), LOC130056177 (ATAC-STARR-seq lymphoblastoid silent region 5970; plus strand). Cytogenetic location: 14q24.3.
Variant type: single nucleotide variant.
Coding change: c.14C>G on transcript NM_013382.7 (MANE Select); coding-DNA position 14, C replaced by G.
Protein change: p.Thr5Arg; replaces threonine 5 with arginine.
Molecular consequence: missense variant.
Genome position (GRCh38, 1-based): chr14:77,320,668, G>C on the plus strand (C>G on the coding strand, the complement: POMT2 is on the minus strand). VCF-style: chr14-77320668-G-C. GRCh37 (hg19) VCF-style: chr14-77787011-G-C.
Other names: short protein forms T5R.
Identifiers: ClinVar variation 657322 (VCV000657322.8), dbSNP rs760413289, ClinGen allele CA7286308.

ClinVar aggregate classification (germline): Uncertain significance. Review status: criteria provided, multiple submitters, no conflicts (2 of 4 stars). 2 submissions from 2 submitters: Uncertain significance (2). Last evaluated 2022-04-12.

Conditions:
Muscular dystrophy-dystroglycanopathy (congenital with brain and eye anomalies), type A2. Also called: WALKER-WARBURG SYNDROME OR MUSCLE-EYE-BRAIN DISEASE, POMT2-RELATED; MUSCULAR DYSTROPHY-DYSTROGLYCANOPATHY (CONGENITAL WITH BRAIN AND EYE ANOMALIES), TYPE A, 2. Identifiers: Orphanet 588, Orphanet 899, MedGen C3150411, MONDO:0013154, OMIM 613150.
Muscular dystrophy-dystroglycanopathy (congenital with impaired intellectual development), type B, 2. Also called: Muscular dystrophy-dystroglycanopathy (congenital with intellectual disability), type B2; MUSCULAR DYSTROPHY, CONGENITAL, POMT2-RELATED. Identifiers: MedGen C3150416, MONDO:0013160, OMIM 613156.
Autosomal recessive limb-girdle muscular dystrophy type 2N. Also called: MUSCULAR DYSTROPHY-DYSTROGLYCANOPATHY, LIMB-GIRDLE, POMT2-RELATED; Muscular dystrophy-dystroglycanopathy (limb-girdle), type C, 2. Identifiers: Orphanet 206559, MedGen C3150418, MONDO:0013162, OMIM 613158.

gnomAD v4.1: 26 of 1,593,342 alleles (0.0016%); highest among the groups gnomAD compares: South Asian, 0.028%; no homozygotes.

Submissions (2):

GeneDx
Classification: Uncertain significance. Last evaluated: 2022-04-12. Review status: criteria provided, single submitter. Criteria: GeneDx Variant Classification Process June 2021. Collection method: clinical testing. Allele origin: germline. Affected: yes.
Comment: In silico analysis supports that this missense variant does not alter protein structure/function; Has not been previously published as pathogenic or benign to our knowledge

Labcorp Genetics (formerly Invitae), Labcorp
Classification: Uncertain significance for Muscular dystrophy-dystroglycanopathy (congenital with impaired intellectual development), type B, 2; Muscular dystrophy-dystroglycanopathy (congenital with brain and eye anomalies), type A2; Autosomal recessive limb-girdle muscular dystrophy type 2N. Last evaluated: 2021-08-24. Review status: criteria provided, single submitter. Criteria: Invitae Variant Classification Sherloc (09022015). Collection method: clinical testing. Allele origin: germline.
Comment: This sequence change replaces threonine with arginine at codon 5 of the POMT2 protein (p.Thr5Arg). The threonine residue is weakly conserved and there is a moderate physicochemical difference between threonine and arginine. This variant is present in population databases (rs760413289, ExAC 0.03%). This variant has not been reported in the literature in individuals affected with POMT2-related conditions. Algorithms developed to predict the effect of missense changes on protein structure and function (SIFT, PolyPhen-2, Align-GVGD) all suggest that this variant is likely to be tolerated. In summary, the available evidence is currently insufficient to determine the role of this variant in disease. Therefore, it has been classified as a Variant of Uncertain Significance.